The following is an entry in ClinVar:

NM_014633.5(CTR9):c.503-3C>A

Gene: CTR9 (CTR9 component of Paf1/RNA polymerase II complex; plus strand). Cytogenetic location: 11p15.4.
Variant type: single nucleotide variant.
Coding change: c.503-3C>A on transcript NM_014633.5 (MANE Select); 3 bases into the intron before coding-DNA position 503, C replaced by A.
Molecular consequence: intron variant.
Genome position (GRCh38, 1-based): chr11:10,756,746, C>A. VCF-style: chr11-10756746-C-A. GRCh37 (hg19) VCF-style: chr11-10778293-C-A.
Other names: c.503-3C>A (NM_001346279.2).
Identifiers: ClinVar variation 3717149 (VCV003717149.2).
Genomic context (GRCh38, chr11:10,756,746, plus strand): 5'-TAAAACATAATAGACTTGTAGCCTTTAATCAGACACTGTGTTTATTTTTAAAAATCATTA[C>A]AGGTAAAGCTTGCATTTCCTTCAACAAGAAGGATTACAGAGGAGCTCTTGCTTACTATAA-3'

ClinVar aggregate classification (germline): Uncertain significance (1 of 4 stars; one submission).

gnomAD v4.1: 5 of 1,602,954 alleles (0.00031%); highest among the groups gnomAD compares: Admixed American, 0.0087%; no homozygotes.

Submission:

Labcorp Genetics (formerly Invitae), Labcorp
Classification: Uncertain significance. Last evaluated: 2024-12-04. Review status: criteria provided, single submitter. Criteria: Invitae Variant Classification Sherloc (09022015). Collection method: clinical testing. Allele origin: germline.
Comment: This sequence change falls in intron 4 of the CTR9 gene. It does not directly change the encoded amino acid sequence of the CTR9 protein. It affects a nucleotide within the consensus splice site. This variant is present in population databases (rs765431702, gnomAD 0.01%). This variant has not been reported in the literature in individuals affected with CTR9-related conditions. Variants that disrupt the consensus splice site are a relatively common cause of aberrant splicing (PMID: 17576681, 9536098). Algorithms developed to predict the effect of sequence changes on RNA splicing suggest that this variant is not likely to affect RNA splicing. In summary, the available evidence is currently insufficient to determine the role of this variant in disease. Therefore, it has been classified as a Variant of Uncertain Significance.

Literature cited by the submitters: PubMed 17576681; PubMed 9536098.